The following is an entry in ClinVar:

ClinVar aggregate classification (germline): Conflicting classifications of pathogenicity. Review status: criteria provided, conflicting classifications (1 of 4 stars). 6 submissions from 6 submitters: Likely pathogenic (2); Uncertain significance (2). 2 of the submissions do not count toward it. Last evaluated 2023-08-29.

Conditions:
Inborn genetic diseases. Identifiers: MedGen C0950123, MeSH D030342.
Charcot-Marie-Tooth disease type 4J (CMT4J). Also called: Charcot-Marie-Tooth Neuropathy Type 4J; CHARCOT-MARIE-TOOTH DISEASE, DEMYELINATING, TYPE 4J; CHARCOT-MARIE-TOOTH DISEASE, AUTOSOMAL RECESSIVE, TYPE 4J. Identifiers: Orphanet 139515, MedGen C1970011, MONDO:0012640, OMIM 611228.
FIG4-related disorder. Also called: FIG4-related disorders; FIG4-related condition.
Charcot-Marie-Tooth disease type 4. Also called: Charcot-Marie-Tooth disease, type IV; Charcot-Marie-Tooth, Type 4. Identifiers: Orphanet 64749, MedGen C4082197, MONDO:0018995.

Allele frequency attached by ClinVar (database versions not stated): gnomAD 0.00001; TOPMed 0.00001; gnomAD exomes 0.00001 and 0.00003; ExAC 0.00002.
gnomAD v4.1: 12 of 1,612,992 alleles (0.00074%); highest among the groups gnomAD compares: Non-Finnish European, 0.001%; no homozygotes.

Submissions (6):

Ambry Genetics
Classification: Uncertain significance for Inborn genetic diseases. Last evaluated: 2023-08-29. Review status: criteria provided, single submitter. Criteria: Ambry Variant Classification Scheme 2023. Collection method: clinical testing. Allele origin: germline.
Comment: Not expected to trigger nonsense-mediated mRNA decay Based on insufficient or conflicting evidence, the clinical significance of this alteration remains unclear.

Labcorp Genetics (formerly Invitae), Labcorp
Classification: Uncertain significance for Charcot-Marie-Tooth disease type 4. Last evaluated: 2021-09-02. Review status: criteria provided, single submitter. Criteria: Invitae Variant Classification Sherloc (09022015). Collection method: clinical testing. Allele origin: germline.
Comment: This sequence change affects an acceptor splice site in intron 22 of the FIG4 gene. While this variant is not anticipated to result in nonsense mediated decay, it likely alters RNA splicing and results in a disrupted protein product. This variant is present in population databases (rs769858739, ExAC 0.004%). Disruption of this splice site has been observed in individual(s) with Charcot-Marie-Tooth disease (PMID: 25614874). Variants that disrupt the consensus splice site are a relatively common cause of aberrant splicing (PMID: 17576681, 9536098). Algorithms developed to predict the effect of sequence changes on RNA splicing suggest that this variant may disrupt the consensus splice site. In summary, the available evidence is currently insufficient to determine the role of this variant in disease. Therefore, it has been classified as a Variant of Uncertain Significance.

Mayo Clinic Laboratories, Mayo Clinic
Classification: Likely pathogenic. Last evaluated: 2019-12-16. Review status: criteria provided, single submitter. Criteria: ACMG Guidelines, 2015. Collection method: clinical testing. Allele origin: germline. Observed: 1 variant allele.
Comment: PVS1, PM2

GeneDx
Classification: Likely pathogenic. Last evaluated: 2019-08-23. Review status: criteria provided, single submitter. Criteria: GeneDx Variant Classification Process June 2021. Collection method: clinical testing. Allele origin: germline. Affected: yes.
Comment: Canonical splice site variant predicted to result in an in-frame deletion of a critical region; Reported in published literature (DiVincenzo et al., 2014) in an individual with Charcot-Marie-Tooth disease; however, no additional clinical details were provided; Not observed at a significant frequency in large population cohorts (Lek et al., 2016); This variant is associated with the following publications: (PMID: 25614874)

PreventionGenetics, part of Exact Sciences
Classification: Uncertain significance for FIG4-related condition. Last evaluated: 2024-03-08. Review status: no assertion criteria provided. Collection method: clinical testing. Allele origin: germline. Not counted in ClinVar's aggregate classification.
Comment: The FIG4 c.2547-1G>A variant is predicted to disrupt the AG splice acceptor site and interfere with normal splicing. This variant occurs adjacent to the last exon of the FIG4 gene and has been reported in an individual with Charcot-Marie Tooth (CMT, Table S5 DiVincenzo et al. 2014. PubMed ID: 25614874). To our knowledge this variant has not been reported in individuals with amyotrophic lateral sclerosis (ALS). This variant is reported in 0.0062% of alleles in individuals of European (Non-Finnish) descent in gnomAD. Although we suspect that this variant may be pathogenic for CMT related conditions, the clinical significance of this variant is classified as uncertain at this time due to insufficient functional and genetic evidence.

Inherited Neuropathy Consortium Ii, University Of Miami
Classification: Uncertain significance for Charcot-Marie-Tooth disease type 4J. Last evaluated: 2019-04-20. Review status: no assertion criteria provided. Collection method: literature only. Allele origin: germline. Affected: yes. Not counted in ClinVar's aggregate classification.

Literature cited by the submitters: PubMed 25614874 (cited by 4 submitters); PubMed 17576681 (cited by Labcorp Genetics (formerly Invitae), Labcorp); PubMed 9536098 (cited by Labcorp Genetics (formerly Invitae), Labcorp).

NM_014845.6(FIG4):c.2547-1G>A

Gene: FIG4 (FIG4 phosphoinositide 5-phosphatase; plus strand). Cytogenetic location: 6q21.
Variant type: single nucleotide variant.
Coding change: c.2547-1G>A on transcript NM_014845.6 (MANE Select); the canonical splice acceptor site of the intron before coding-DNA position 2547, G replaced by A.
Molecular consequence: splice acceptor variant.
Genome position (GRCh38, 1-based): chr6:109,825,087, G>A. VCF-style: chr6-109825087-G-A. GRCh37 (hg19) VCF-style: chr6-110146290-G-A.
Identifiers: ClinVar variation 938191 (VCV000938191.18), dbSNP rs769858739, ClinGen allele CA3956449.
Genomic context (GRCh38, chr6:109,825,087, plus strand): 5'-TCCCTGTGGTCCTTCCTTATATTTTCTTTAATGCAGCCCTCTCTTTATTCATCTTTTATA[G>A]AACACCCATCTCGGCTTTCTCGCAAGATAACATCTATGAAGTTCAGCCCCCAAGAGTAGA-3'